The following is an entry in ClinVar:

ClinVar aggregate classification (germline): Uncertain significance. Review status: criteria provided, multiple submitters, no conflicts (2 of 4 stars). 2 submissions from 2 submitters: Uncertain significance (2). Last evaluated 2024-01-26.

Conditions:
Joubert syndrome. Also called: Familial aplasia of the vermis; JOUBERT-BOLTSHAUSER SYNDROME. Identifiers: Orphanet 475, MedGen C5979921, MONDO:0018772.
Orofaciodigital syndrome I (OFD1). Also called: Papillon-Leage and Psaume Syndrome; Oral-Facial-Digital Syndrome Type I; OFDS I. Identifiers: Orphanet 2750, MedGen C1510460, MONDO:0010702, OMIM 311200.

gnomAD v4.1: 2 of 1,210,980 alleles (0.00017%); highest among the groups gnomAD compares: Non-Finnish European, 0.00022%; no homozygotes.

Submissions (2):

Labcorp Genetics (formerly Invitae), Labcorp
Classification: Uncertain significance for Orofaciodigital syndrome I; Joubert syndrome. Last evaluated: 2024-01-26. Review status: criteria provided, single submitter. Criteria: Invitae Variant Classification Sherloc (09022015). Collection method: clinical testing. Allele origin: germline.
Comment: This sequence change replaces glutamic acid, which is acidic and polar, with glycine, which is neutral and non-polar, at codon 903 of the OFD1 protein (p.Glu903Gly). This variant is not present in population databases (gnomAD no frequency). This variant has not been reported in the literature in individuals affected with OFD1-related conditions. Advanced modeling of protein sequence and biophysical properties (such as structural, functional, and spatial information, amino acid conservation, physicochemical variation, residue mobility, and thermodynamic stability) performed at Invitae indicates that this missense variant is not expected to disrupt OFD1 protein function with a negative predictive value of 80%. In summary, the available evidence is currently insufficient to determine the role of this variant in disease. Therefore, it has been classified as a Variant of Uncertain Significance.

Blueprint Genetics
Classification: Uncertain significance. Last evaluated: 2023-12-28. Review status: criteria provided, single submitter. Criteria: ACMG Guidelines, 2015. Collection method: clinical testing. Allele origin: germline.

NM_003611.3(OFD1):c.2708A>G (p.Glu903Gly)

Gene: OFD1 (OFD1 centriole and centriolar satellite protein; plus strand). Cytogenetic location: Xp22.2.
Variant type: single nucleotide variant.
Coding change: c.2708A>G on transcript NM_003611.3 (MANE Select); coding-DNA position 2708, A replaced by G.
Protein change: p.Glu903Gly; replaces glutamic acid 903 with glycine.
Molecular consequence: missense variant.
Genome position (GRCh38, 1-based): chrX:13,767,235, A>G. VCF-style: chrX-13767235-A-G. GRCh37 (hg19) VCF-style: chrX-13785354-A-G.
Other names: c.2588A>G, p.Glu863Gly (NM_001330209.2); c.2288A>G, p.Glu763Gly (NM_001330210.2); short protein forms E763G, E903G, E863G.
Identifiers: ClinVar variation 2930104 (VCV002930104.4), dbSNP rs761100130, ClinGen allele CA412311794.
Genomic context (GRCh38, chrX:13,767,235, plus strand): 5'-GGGAACAGCAAGTGAAAGAACGAAGGCAGAGAGAAGAAAGAAGGCAGAGTAACCTACAAG[A>G]AGTTTTAGAAAGGGAACGAAGAGAACTAGAAAAACTGTATCAGGAAAGGGTAATAAGTAT-3'
Protein context (NP_003602.1, residues 893-913): REERRQSNLQ[Glu903Gly]VLERERRELE